The following is an entry in ClinVar:

ClinVar aggregate classification (germline): Likely benign. Review status: criteria provided, multiple submitters, no conflicts (2 of 4 stars). 8 submissions from 8 submitters: Likely benign (8). Last evaluated 2026-01-26.

Conditions:
Hereditary cancer-predisposing syndrome. Also called: Tumor predisposition; Hereditary Cancer Syndrome; Hereditary neoplastic syndrome; Neoplastic Syndromes, Hereditary. Identifiers: Orphanet 140162, MedGen C0027672, MeSH D009386, MONDO:0015356.
Tuberous sclerosis syndrome (TSC). Also called: Tuberous Sclerosis Complex; Tuberous sclerosis. Identifiers: Orphanet 805, MedGen C0041341, MONDO:0001734.
Lymphangiomyomatosis (LAM). Also called: Lymphangioleiomyomatosis, somatic; Lymphangioleiomyomatosis. Identifiers: Orphanet 538, MedGen C0751674, MONDO:0011705, OMIM 606690.
Isolated focal cortical dysplasia type II (FCORD2). Also called: Focal cortical dysplasia type II; CORTICAL DYSPLASIA OF TAYLOR. Identifiers: Orphanet 268994, MedGen C1846385, MONDO:0011818, OMIM 607341, HP:0032051.
Tuberous sclerosis 2 (TSC2). Identifiers: Orphanet 805, MedGen C1860707, MONDO:0013199, OMIM 613254.

Submissions (8):

Labcorp Genetics (formerly Invitae), Labcorp
Classification: Likely benign for Tuberous sclerosis 2. Last evaluated: 2026-01-26. Review status: criteria provided, single submitter. Criteria: Invitae Variant Classification Sherloc (09022015). Collection method: clinical testing. Allele origin: germline.

Myriad Genetics, Inc.
Classification: Likely benign for Tuberous sclerosis 2. Last evaluated: 2025-06-04. Review status: criteria provided, single submitter. Criteria: Myriad Autosomal Dominant, Autosomal Recessive and X-Linked Classification Criteria (2023). Collection method: clinical testing. Allele origin: unknown.
Comment: This variant is considered likely benign. This variant is intronic and is not expected to impact mRNA splicing. This variant has been observed at a population frequency that is significantly greater than expected given the associated disease prevalence and penetrance.

All of Us Research Program, National Institutes of Health
Classification: Likely benign for Tuberous sclerosis syndrome. Last evaluated: 2024-09-23. Review status: criteria provided, single submitter. Criteria: ACMG Guidelines, 2015. Collection method: clinical testing. Allele origin: germline. Inheritance: Autosomal dominant inheritance. Observed: 11 variant alleles, 11 heterozygotes.
Comment: This study involves interpretation of variants in research participants for the purpose of population health screening. Participant phenotype was not available at the time of variant classification. Additional details can be found in publication PMID: 35346344, PMCID: PMC8962531

Blueprint Genetics
Classification: Likely benign. Last evaluated: 2024-09-18. Review status: criteria provided, single submitter. Criteria: ACMG Guidelines, 2015. Collection method: clinical testing. Allele origin: germline.

Color Diagnostics, LLC DBA Color Health
Classification: Likely benign for Tuberous sclerosis syndrome. Last evaluated: 2024-07-17. Review status: criteria provided, single submitter. Criteria: ACMG Guidelines, 2015. Collection method: clinical testing. Allele origin: germline.

GeneDx
Classification: Likely benign. Last evaluated: 2023-01-26. Review status: criteria provided, single submitter. Criteria: GeneDx Variant Classification Process June 2021. Collection method: clinical testing. Allele origin: germline. Affected: yes.
Comment: See Variant Classification Assertion Criteria.

Fulgent Genetics
Classification: Likely benign for Lymphangiomyomatosis; Isolated focal cortical dysplasia type II; Tuberous sclerosis 2. Last evaluated: 2021-12-21. Review status: criteria provided, single submitter. Criteria: ACMG Guidelines, 2015. Collection method: clinical testing. Allele origin: unknown.

Ambry Genetics
Classification: Likely benign for Hereditary cancer-predisposing syndrome. Last evaluated: 2020-03-20. Review status: criteria provided, single submitter. Criteria: Ambry Variant Classification Scheme 2023. Collection method: clinical testing. Allele origin: germline.

NM_000548.5(TSC2):c.4663-11_4663-5del

Gene: TSC2 (TSC complex subunit 2; plus strand). Cytogenetic location: 16p13.3.
Variant type: Microsatellite.
Coding change: c.4663-11_4663-5del on transcript NM_000548.5 (MANE Select); 11 bases into the intron before coding-DNA position 4663 through 5 bases into the intron before coding-DNA position 4663, 7 bases deleted (TCTCCCC; older notation c.4663-11_4663-5delTCTCCCC).
Molecular consequence: intron variant.
Genome position (GRCh38, 1-based): chr16:2,086,182-2,086,188, TCTCCCC deleted; deleting any 7 consecutive bases within chr16:2,086,173-2,086,188 gives the same sequence; the c. name uses the placement nearest the transcript's 3' end. VCF-style (leftmost placement, unchanged base first): chr16-2086172-GCCTCTCC-G. GRCh37 (hg19) VCF-style: chr16-2136173-GCCTCTCC-G.
Other names: c.4594-11_4594-5del (NM_001114382.3); c.4534-11_4534-5del (NM_021055.3, NM_001370405.1); c.4465-11_4465-5del (NM_001363528.2); c.4531-11_4531-5del (NM_001370404.1); c.4462-11_4462-5del (NM_001077183.3); c.4354-11_4354-5del (NM_001318827.2); c.3931-11_3931-5del (NM_001318831.2); c.4318-11_4318-5del (NM_001318829.2); and 1 more.
Identifiers: ClinVar variation 420375 (VCV000420375.22), dbSNP rs760527750, ClinGen allele CA052157.
Genomic context (GRCh38, chr16:2,086,172, plus strand): 5'-GCCTGCTGGGCACCCCCACCCTCTGCGGGGCAGGGCCCGGCCCGGGAGTGATGCCACCCT[GCCTCTCC>G]CCTCTCCCCACAGAGCAACAGCGAGCTCGCCATCCTGTCCAATGAGCATGGCTCCTACAG-3'